The following is an entry in ClinVar:

NM_000051.4(ATM):c.2009G>T (p.Gly670Val)

Gene: ATM (ATM serine/threonine kinase; plus strand). Cytogenetic location: 11q22.3.
Variant type: single nucleotide variant.
Coding change: c.2009G>T on transcript NM_000051.4 (MANE Select); coding-DNA position 2009, G replaced by T.
Protein change: p.Gly670Val; replaces glycine 670 with valine.
Molecular consequence: missense variant.
Genome position (GRCh38, 1-based): chr11:108,253,924, G>T. VCF-style: chr11-108253924-G-T. GRCh37 (hg19) VCF-style: chr11-108124651-G-T.
Other names: c.2009G>T, p.Gly670Val (NM_001351834.2); short protein forms G670V.
Identifiers: ClinVar variation 1463259 (VCV001463259.3), dbSNP rs887944555, ClinGen allele CA382537072.
Genomic context (GRCh38, chr11:108,253,924, plus strand): 5'-AACTATTTCTTCAGACAACTTTTGACAAGATGGACTTTTTAACCATTGTGAGAGAATGTG[G>T]TATAGAAAAGCACCAGTCCAGTATTGGCTTCTCTGTCCACCAGAATCTCAAGGAATCACT-3'
Protein context (NP_000042.3, residues 660-680): MDFLTIVREC[Gly670Val]IEKHQSSIGF

ClinVar aggregate classification (germline): Uncertain significance (1 of 4 stars; one submission).

Conditions:
Ataxia-telangiectasia syndrome (AT). Also called: Ataxia-telangiectasia, complementation group D; AT, COMPLEMENTATION GROUP C; Cerebello-oculocutaneous telangiectasia; Immunodeficiency with ataxia telangiectasia; Ataxia-telangiectasia, complementation group E; LOUIS-BAR SYNDROME. Identifiers: Orphanet 100, MedGen C0004135, MONDO:0008840, OMIM 208900.

gnomAD v4.1: 1 of 1,614,024 alleles (0.000062%); highest among the groups gnomAD compares: Non-Finnish European, 0.000085%; no homozygotes.

Submission:

Labcorp Genetics (formerly Invitae), Labcorp
Classification: Uncertain significance for Ataxia-telangiectasia syndrome. Last evaluated: 2021-10-03. Review status: criteria provided, single submitter. Criteria: Invitae Variant Classification Sherloc (09022015). Collection method: clinical testing. Allele origin: germline.
Comment: This sequence change replaces glycine with valine at codon 670 of the ATM protein (p.Gly670Val). The glycine residue is weakly conserved and there is a moderate physicochemical difference between glycine and valine. This variant is not present in population databases (ExAC no frequency). This variant has not been reported in the literature in individuals affected with ATM-related conditions. Advanced modeling of protein sequence and biophysical properties (such as structural, functional, and spatial information, amino acid conservation, physicochemical variation, residue mobility, and thermodynamic stability) performed at Invitae indicates that this missense variant is not expected to disrupt ATM protein function. In summary, the available evidence is currently insufficient to determine the role of this variant in disease. Therefore, it has been classified as a Variant of Uncertain Significance.